The following is an entry in ClinVar:

ClinVar aggregate classification (germline): Pathogenic (1 of 4 stars; one submission).

Conditions:
Developmental and epileptic encephalopathy, 54. Also called: HNRNPU-Related Neurodevelopmental Disorder; Epileptic encephalopathy, early infantile, 54. Identifiers: MedGen C4479319, MONDO:0033363, OMIM 617391.

Submission:

Labcorp Genetics (formerly Invitae), Labcorp
Classification: Pathogenic for Developmental and epileptic encephalopathy, 54. Last evaluated: 2025-03-15. Review status: criteria provided, single submitter. Criteria: Invitae Variant Classification Sherloc (09022015). Collection method: clinical testing. Allele origin: germline.
Comment: This sequence change creates a premature translational stop signal (p.Val417Serfs*7) in the HNRNPU gene. It is expected to result in an absent or disrupted protein product. Loss-of-function variants in HNRNPU are known to be pathogenic (PMID: 22678713, 28283832). This variant is not present in population databases (gnomAD no frequency). This variant has not been reported in the literature in individuals affected with HNRNPU-related conditions. For these reasons, this variant has been classified as Pathogenic.

Literature cited by the submitters: PubMed 22678713; PubMed 28283832.

NM_031844.3(HNRNPU):c.1248dup (p.Val417fs)

Gene: HNRNPU (heterogeneous nuclear ribonucleoprotein U; minus strand). Cytogenetic location: 1q44.
Variant type: Duplication.
Coding change: c.1248dup on transcript NM_031844.3 (MANE Select); coding-DNA position 1248, one base duplicated (A; older notation c.1248dupA).
Protein change: p.Val417fs; shifts the reading frame from valine 417.
Molecular consequence: frameshift variant.
Genome position (GRCh38, 1-based): chr1:244,858,257, T duplicated on the plus strand (A on the coding strand, the reverse complement: HNRNPU is on the minus strand); the first of 2 consecutive T bases (chr1:244,858,257-244,858,258); duplicating either gives the same sequence. VCF-style (leftmost placement, unchanged base first): chr1-244858256-C-CT. GRCh37 (hg19) VCF-style: chr1-245021558-C-CT.
Other names: c.1191dup, p.Val398fs (NM_004501.3); short protein forms V398fs, V417fs.
Identifiers: ClinVar variation 4715118 (VCV004715118.1).